The following is an entry in ClinVar:

ClinVar aggregate classification (germline): Likely benign. Review status: criteria provided, multiple submitters, no conflicts (2 of 4 stars). 2 submissions from 2 submitters: Likely benign (2). Last evaluated 2025-03-09.

Allele frequency attached by ClinVar (database versions not stated): gnomAD 0.00002; gnomAD exomes 0.00002; TOPMed 0.00002; ExAC 0.00003.
gnomAD v4.1: 27 of 1,614,002 alleles (0.0017%); highest among the groups gnomAD compares: Admixed American, 0.01%; no homozygotes.

Submissions (2):

Labcorp Genetics (formerly Invitae), Labcorp
Classification: Likely benign. Last evaluated: 2025-03-09. Review status: criteria provided, single submitter. Criteria: Invitae Variant Classification Sherloc (09022015). Collection method: clinical testing. Allele origin: germline.

CeGaT Center for Human Genetics Tuebingen
Classification: Likely benign. Last evaluated: 2022-08-01. Review status: criteria provided, single submitter. Criteria: CeGaT Center For Human Genetics Tuebingen Variant Classification Criteria Version 2. Collection method: clinical testing. Allele origin: germline. Affected: yes. Observed: 1 variant allele.
Comment: IGF1R: BP4, BP7

NM_000875.5(IGF1R):c.489G>A (p.Ala163=)

Gene: IGF1R (insulin like growth factor 1 receptor; plus strand). Cytogenetic location: 15q26.3.
Variant type: single nucleotide variant.
Coding change: c.489G>A on transcript NM_000875.5 (MANE Select); coding-DNA position 489, G replaced by A.
Protein change: p.Ala163=; no amino-acid change (alanine 163 retained).
Molecular consequence: synonymous variant.
Genome position (GRCh38, 1-based): chr15:98,707,956, G>A. VCF-style: chr15-98707956-G-A. GRCh37 (hg19) VCF-style: chr15-99251185-G-A.
Other names: c.489G>A, p.Ala163= (NM_001291858.2).
Identifiers: ClinVar variation 1988672 (VCV001988672.28), dbSNP rs765173001, ClinGen allele CA7751803.